The following is an entry in ClinVar:

ClinVar aggregate classification (germline): Benign/Likely benign. Review status: criteria provided, multiple submitters, no conflicts (2 of 4 stars). 3 submissions from 2 submitters: Benign (1); Likely benign (2). Last evaluated 2021-09-11.

Conditions:
3-Methylglutaconic aciduria type 3 (MGCA3). Also called: OPA3, AUTOSOMAL RECESSIVE; OPTIC ATROPHY 3, AUTOSOMAL RECESSIVE; Costeff Syndrome; OPA3-Related 3-Methylglutaconic Aciduria. Identifiers: Orphanet 67047, MedGen C0574084, MONDO:0009787, OMIM 258501.
Optic atrophy 3 (OPA3). Also called: OPTIC ATROPHY 3, AUTOSOMAL DOMINANT; Optic atrophy, cataract, and neurologic disorder; Optic atrophy 3 with cataract. Identifiers: Orphanet 67036, MedGen C1833809, MONDO:0008133, OMIM 165300.

Allele frequency attached by ClinVar (database versions not stated): gnomAD exomes 0.00052; 1000 Genomes Project 0.00619; gnomAD 0.00652 and 0.00697; 1000 Genomes Project 30x 0.00671; TOPMed 0.00716.
gnomAD v4.1: 1,408 of 939,466 alleles (0.15%); highest among the groups gnomAD compares: African/African-American, 2.3%; 20 homozygotes.

Submissions (3):

GeneDx
Classification: Likely benign. Last evaluated: 2021-09-11. Review status: criteria provided, single submitter. Criteria: GeneDx Variant Classification Process June 2021. Collection method: clinical testing. Allele origin: germline. Affected: yes.

Illumina Laboratory Services, Illumina
Classification: Benign for Optic atrophy 3. Last evaluated: 2018-01-13. Review status: criteria provided, single submitter. Criteria: ICSL Variant Classification Criteria 13 December 2019. Collection method: clinical testing. Allele origin: germline.
Comment: This variant was observed in the ICSL laboratory as part of a predisposition screen in an ostensibly healthy population. It had not been previously curated by ICSL or reported in the Human Gene Mutation Database (HGMD: prior to June 1st, 2018), and was therefore a candidate for classification through an automated scoring system. Utilizing variant allele frequency, disease prevalence and penetrance estimates, and inheritance mode, an automated score was calculated to assess if this variant is too frequent to cause the disease. Based on the score and internal cut-off values, a variant classified as benign is not then subjected to further curation. The score for this variant resulted in a classification of benign for this disease.

Illumina Laboratory Services, Illumina
Classification: Likely benign for 3-Methylglutaconic aciduria type 3. Last evaluated: 2018-01-13. Review status: criteria provided, single submitter. Criteria: ICSL Variant Classification Criteria 13 December 2019. Collection method: clinical testing. Allele origin: germline.
Comment: This variant was observed in the ICSL laboratory as part of a predisposition screen in an ostensibly healthy population. It had not been previously curated by ICSL or reported in the Human Gene Mutation Database (HGMD: prior to June 1st, 2018), and was therefore a candidate for classification through an automated scoring system. Utilizing variant allele frequency, disease prevalence and penetrance estimates, and inheritance mode, an automated score was calculated to assess if this variant is too frequent to cause the disease. Based on the score and internal cut-off values, a variant classified as likely benign is not then subjected to further curation. The score for this variant resulted in a classification of likely benign for this disease.

NM_025136.4(OPA3):c.*1855T>C

Genes: OPA3 (outer mitochondrial membrane lipid metabolism regulator OPA3; minus strand), OPA3-RTN2 (OPA3-RTN2 readthrough; minus strand). Cytogenetic location: 19q13.32.
Variant type: single nucleotide variant.
Coding change: c.*1855T>C on transcript NM_025136.4 (MANE Select); 1855 bases downstream of the stop codon, T replaced by C.
Molecular consequence: 3 prime UTR variant. On other transcripts: intron variant (1).
Genome position (GRCh38, 1-based): chr19:45,551,659, A>G on the plus strand (T>C on the coding strand, the complement: OPA3 is on the minus strand). VCF-style: chr19-45551659-A-G. GRCh37 (hg19) VCF-style: chr19-46054917-A-G.
Other names: c.143-22203T>C (NM_001017989.3).
Identifiers: ClinVar variation 329649 (VCV000329649.6), dbSNP rs146599259, ClinGen allele CA10652144.